The following is an entry in ClinVar:

NM_002113.3(CFHR1):c.258G>C (p.Leu86=)

Gene: CFHR1 (complement factor H related 1; plus strand). Cytogenetic location: 1q31.3.
Variant type: single nucleotide variant.
Coding change: c.258G>C on transcript NM_002113.3 (MANE Select); coding-DNA position 258, G replaced by C.
Protein change: p.Leu86=; no amino-acid change (leucine 86 retained).
Molecular consequence: synonymous variant. On other transcripts: intron variant (2).
Genome position (GRCh38, 1-based): chr1:196,826,833, G>C. VCF-style: chr1-196826833-G-C. GRCh37 (hg19) VCF-style: chr1-196795963-G-C.
Other names: p.Leu86=; c.207G>C, p.Leu69= (NM_001379306.1); c.96G>C, p.Leu32= (NM_001379307.1); c.93G>C, p.Leu31= (NM_001379308.1); c.90G>C, p.Leu30= (NM_001379309.1); c.63G>C, p.Leu21= (NM_001379310.1); c.253+1162G>C (NM_001379311.1); c.59-44G>C (NM_001379312.1).
Identifiers: ClinVar variation 4683959 (VCV004683959.1).
Genomic context (GRCh38, chr1:196,826,833, plus strand): 5'-TTGTACTTTTTCTTTGCTACTTCCATCTTGTACATTAATCCGTTTTTGGTCCTTAGGACT[G>C]TGTTTCTTTCCTTTTGTGGAAAATGGTCATTCTGAATCTTCAGGACAAACACATCTGGAA-3'
Protein context (NP_002104.2, residues 76-96): GWSPTPKCLR[Leu86=]CFFPFVENGH

ClinVar aggregate classification (germline): Likely benign (1 of 4 stars; one submission).

Submission:

Mayo Clinic Laboratories, Mayo Clinic
Classification: Likely benign. Last evaluated: 2025-07-09. Review status: criteria provided, single submitter. Criteria: ACMG Guidelines, 2015. Collection method: clinical testing. Allele origin: germline. Observed: 1 variant allele.
Comment: BP4, BP7, PM2_supporting